The following is an entry in ClinVar:

ClinVar aggregate classification (germline): Uncertain significance. Review status: criteria provided, multiple submitters, no conflicts (2 of 4 stars). 5 submissions from 5 submitters: Uncertain significance (4). 1 of the submissions does not count toward it. Last evaluated 2026-08-27.

Conditions:
Inborn genetic diseases. Identifiers: MedGen C0950123, MeSH D030342.
Nephronophthisis. Also called: Juvenile Nephronophthisis. Identifiers: Orphanet 655, MedGen C0687120, MONDO:0019005, HP:0000090.
Meckel-Gruber syndrome. Also called: GRUBER SYNDROME; DYSENCEPHALIA SPLANCHNOCYSTICA; Dysencephalia splachnocystica. Identifiers: Orphanet 564, MedGen C0265215, MONDO:0018921.
Joubert syndrome. Also called: Familial aplasia of the vermis; JOUBERT-BOLTSHAUSER SYNDROME. Identifiers: Orphanet 475, MedGen C5979921, MONDO:0018772.
Leber congenital amaurosis (LCA). Also called: Leber's amaurosis. Identifiers: Orphanet 65, MedGen C0339527, MeSH D057130, MONDO:0018998.
CEP290-related disorder. Also called: CEP290-related condition; CEP290-related disorders. Identifiers: MedGen CN239314.

Allele frequency attached by ClinVar (database versions not stated): TOPMed 0.00009.
gnomAD v4.1: 94 of 1,600,836 alleles (0.0059%); highest among the groups gnomAD compares: Non-Finnish European, 0.0068%; no homozygotes.

Submissions (5):

PreventionGenetics, part of Exact Sciences
Classification: Uncertain significance for CEP290-related condition. Last evaluated: 2026-08-27. Review status: criteria provided, single submitter. Criteria: ACMG Guidelines, 2015. Collection method: clinical testing. Allele origin: germline.
Comment: The CEP290 c.2090C>T variant is predicted to result in the amino acid substitution p.Ala697Val. To our knowledge, this variant has not been reported in the literature. This variant is reported in 0.020% of alleles in individuals of European (Finnish) descent in gnomAD. At this time, the clinical significance of this variant is uncertain due to the absence of conclusive functional and genetic evidence.

Ambry Genetics
Classification: Uncertain significance for Inborn genetic diseases. Last evaluated: 2025-02-25. Review status: criteria provided, single submitter. Criteria: Ambry Variant Classification Scheme 2023. Collection method: clinical testing. Allele origin: germline.

GeneDx
Classification: Uncertain significance. Last evaluated: 2025-02-15. Review status: criteria provided, single submitter. Criteria: GeneDx Variant Classification Process June 2021. Collection method: clinical testing. Allele origin: germline. Affected: yes.
Comment: In silico analysis indicates that this missense variant does not alter protein structure/function; Has not been previously published as pathogenic or benign to our knowledge

Labcorp Genetics (formerly Invitae), Labcorp
Classification: Uncertain significance for Joubert syndrome; Meckel-Gruber syndrome; Nephronophthisis. Last evaluated: 2024-10-22. Review status: criteria provided, single submitter. Criteria: Invitae Variant Classification Sherloc (09022015). Collection method: clinical testing. Allele origin: germline.
Comment: This sequence change replaces alanine, which is neutral and non-polar, with valine, which is neutral and non-polar, at codon 697 of the CEP290 protein (p.Ala697Val). The frequency data for this variant in the population databases is considered unreliable, as metrics indicate poor data quality at this position in the gnomAD database. This variant has not been reported in the literature in individuals affected with CEP290-related conditions. ClinVar contains an entry for this variant (Variation ID: 857805). Invitae Evidence Modeling of protein sequence and biophysical properties (such as structural, functional, and spatial information, amino acid conservation, physicochemical variation, residue mobility, and thermodynamic stability) indicates that this missense variant is not expected to disrupt CEP290 protein function with a negative predictive value of 80%. In summary, the available evidence is currently insufficient to determine the role of this variant in disease. Therefore, it has been classified as a Variant of Uncertain Significance.

Natera, Inc.
Classification: Uncertain significance for Leber congenital amaurosis. Last evaluated: 2020-02-26. Review status: no assertion criteria provided. Collection method: clinical testing. Allele origin: germline. Not counted in ClinVar's aggregate classification.

NM_025114.4(CEP290):c.2090C>T (p.Ala697Val)

Gene: CEP290 (centrosomal protein 290; minus strand). Cytogenetic location: 12q21.32.
Variant type: single nucleotide variant.
Coding change: c.2090C>T on transcript NM_025114.4 (MANE Select); coding-DNA position 2090, C replaced by T.
Protein change: p.Ala697Val; replaces alanine 697 with valine.
Molecular consequence: missense variant.
Genome position (GRCh38, 1-based): chr12:88,111,821, G>A on the plus strand (C>T on the coding strand, the complement: CEP290 is on the minus strand). VCF-style: chr12-88111821-G-A. GRCh37 (hg19) VCF-style: chr12-88505598-G-A.
Other names: short protein forms A697V.
Identifiers: ClinVar variation 857805 (VCV000857805.9), dbSNP rs200454865, ClinGen allele CA6712402.
Genomic context (GRCh38, chr12:88,111,821, plus strand): 5'-TGTCTTAATTCTTCATTTCTTCCGGTAAGCTGATCAACTTGGGCTTTCAAATGCAGACTC[G>A]CATCAAAGATTCCTTCTGCATTCTTTGATTCTATAGCCTAGCAAATTTATATTATATATT-3'
Protein context (NP_079390.3, residues 687-707): ESKNAEGIFD[Ala697Val]SLHLKAQVDQ